The following is an entry in ClinVar:

NC_000011.10:g.8038970C>T

Gene: TUB (TUB bipartite transcription factor; plus strand). Cytogenetic location: 11p15.4.
Variant type: single nucleotide variant.
Molecular consequence: nonsense (on NM_003320.5). On other transcripts: intron variant (4).
Genome position: GRCh38 VCF-style: chr11-8038970-C-T. GRCh37 (hg19) VCF-style: chr11-8060517-C-T.
Other names: c.97C>T, p.Gln33Ter (NM_003320.5); c.56+19612C>T (NM_001440538.1, NM_001440539.1, NM_001440540.1 and 1 more transcripts); short protein forms Q33*.
Identifiers: ClinVar variation 2088516 (VCV002088516.2), dbSNP rs2495544790, ClinGen allele CA379566110.

ClinVar aggregate classification (germline): Uncertain significance (1 of 4 stars; one submission).

Submission:

Labcorp Genetics (formerly Invitae), Labcorp
Classification: Uncertain significance. Last evaluated: 2024-01-02. Review status: criteria provided, single submitter. Criteria: Invitae Variant Classification Sherloc (09022015). Collection method: clinical testing. Allele origin: germline.
Comment: This sequence change creates a premature translational stop signal (p.Gln33*) in the TUB gene. It is expected to result in an absent or disrupted protein product. However, the current clinical and genetic evidence is not sufficient to establish whether loss-of-function variants in TUB cause disease. This variant is not present in population databases (gnomAD no frequency). This variant has not been reported in the literature in individuals affected with TUB-related conditions. ClinVar contains an entry for this variant (Variation ID: 2088516). In summary, the available evidence is currently insufficient to determine the role of this variant in disease. Therefore, it has been classified as a Variant of Uncertain Significance.